The following is an entry in ClinVar:

ClinVar aggregate classification (germline): Likely benign (1 of 4 stars; one submission).

Conditions:
Intellectual developmental disorder, autosomal dominant 54. Also called: MENTAL RETARDATION, AUTOSOMAL DOMINANT 54; Intellectual disability, autosomal dominant 54. Identifiers: MedGen C4540484, MONDO:0030920, OMIM 617799.

Submission:

Laboratory of Medical Genetics, National & Kapodistrian University of Athens
Classification: Likely benign for Intellectual developmental disorder, autosomal dominant 54. Last evaluated: 2022-05-10. Review status: criteria provided, single submitter. Criteria: ACMG Guidelines, 2015. Collection method: clinical testing. Allele origin: paternal. Affected: yes.
Comment: PM2, PP3, BS2

NM_001220.5(CAMK2B):c.760A>T (p.Thr254Ser)

Gene: CAMK2B (calcium/calmodulin dependent protein kinase II beta; minus strand). Cytogenetic location: 7p13.
Variant type: single nucleotide variant.
Coding change: c.760A>T on transcript NM_001220.5 (MANE Select); coding-DNA position 760, A replaced by T.
Protein change: p.Thr254Ser; replaces threonine 254 with serine.
Molecular consequence: missense variant.
Genome position (GRCh38, 1-based): chr7:44,242,277, T>A on the plus strand (A>T on the coding strand, the complement: CAMK2B is on the minus strand). VCF-style: chr7-44242277-T-A. GRCh37 (hg19) VCF-style: chr7-44281876-T-A.
Other names: c.760A>T, p.Thr254Ser (NM_001293170.2, NM_172078.3, NM_172079.3 and 5 more transcripts); short protein forms T254S.
Identifiers: ClinVar variation 1708109 (VCV001708109.1), dbSNP rs1399945084, ClinGen allele CA367363950.
Genomic context (GRCh38, chr7:44,242,277, plus strand): 5'-CGCAGACCCACGGGTGCTTCAGGGCCTCATGGGCTGTGATGCGCTTGGCAGGGTTGATGG[T>A]CAGCATCTGGTTGATGAGGTTTTTGGCTTCAGGAGTGACGGTGTCCCACTCAGGGGACGG-3'
Protein context (NP_001211.3, residues 244-264): EAKNLINQML[Thr254Ser]INPAKRITAH